The following is an entry in ClinVar:

NM_014795.4(ZEB2):c.1537del (p.Leu513fs)

Gene: ZEB2 (zinc finger E-box binding homeobox 2; minus strand). Cytogenetic location: 2q22.3.
Variant type: Deletion.
Coding change: c.1537del on transcript NM_014795.4 (MANE Select); coding-DNA position 1537, one base deleted (C; older notation c.1537delC).
Protein change: p.Leu513fs; shifts the reading frame from leucine 513.
Molecular consequence: frameshift variant.
Genome position (GRCh38, 1-based): chr2:144,399,650, G deleted on the plus strand (C on the coding strand, the reverse complement: ZEB2 is on the minus strand). VCF-style (leftmost placement, unchanged base first): chr2-144399649-AG-A. GRCh37 (hg19) VCF-style: chr2-145157216-AG-A.
Other names: c.1465del, p.Leu489fs (NM_001171653.2); short protein forms L513fs, L489fs.
Identifiers: ClinVar variation 520971 (VCV000520971.5), dbSNP rs1553961697, ClinGen allele CA658795850.

ClinVar aggregate classification (germline): Pathogenic (1 of 4 stars; one submission).

Conditions:
Inborn genetic diseases. Identifiers: MedGen C0950123, MeSH D030342.

Submission:

Ambry Genetics
Classification: Pathogenic for Inborn genetic diseases. Last evaluated: 2026-04-10. Review status: criteria provided, single submitter. Criteria: Ambry Variant Classification Scheme 2023. Collection method: clinical testing. Allele origin: germline.
Comment: The c.1537delC (p.L513Ffs*3) alteration, located in exon 8 (coding exon 7) of the ZEB2 gene, consists of a deletion of one nucleotide at position 1537, causing a translational frameshift with a predicted alternate stop codon after 3 amino acids. This variant is expected to result in loss of function by premature protein truncation or nonsense-mediated mRNA decay. This variant was not reported in population-based cohorts in the Genome Aggregation Database (gnomAD). Based on the available evidence, this alteration is classified as pathogenic.